The following is an entry in ClinVar:

ClinVar aggregate classification (germline): Uncertain significance. Review status: criteria provided, multiple submitters, no conflicts (2 of 4 stars). 2 submissions from 2 submitters: Uncertain significance (2). Last evaluated 2026-07-29.

Conditions:
VPS13B-related disorder. Also called: VPS13B-related condition.
Cohen syndrome (COH1). Also called: PEPPER SYNDROME; Cutis verticis gyrata, retinitis pigmentosa, and sensorineural deafness. Identifiers: Orphanet 193, MedGen C0265223, MONDO:0008999, OMIM 216550.

gnomAD v4.1: 1 of 1,614,054 alleles (0.000062%); highest among the groups gnomAD compares: Admixed American, 0.0017%; no homozygotes.

Submissions (2):

PreventionGenetics, part of Exact Sciences
Classification: Uncertain significance for VPS13B-related condition. Last evaluated: 2026-07-29. Review status: criteria provided, single submitter. Criteria: ACMG Guidelines, 2015. Collection method: clinical testing. Allele origin: germline.
Comment: The VPS13B c.1771G>C variant is predicted to result in the amino acid substitution p.Val591Leu. To our knowledge, this variant has not been reported in the literature. This variant is reported in 0.0029% of alleles in individuals of Latino descent in gnomAD. At this time, the clinical significance of this variant is uncertain due to the absence of conclusive functional and genetic evidence.

Labcorp Genetics (formerly Invitae), Labcorp
Classification: Uncertain significance for Cohen syndrome. Last evaluated: 2022-03-23. Review status: criteria provided, single submitter. Criteria: Invitae Variant Classification Sherloc (09022015). Collection method: clinical testing. Allele origin: germline.
Comment: This sequence change replaces valine, which is neutral and non-polar, with leucine, which is neutral and non-polar, at codon 591 of the VPS13B protein (p.Val591Leu). This variant is not present in population databases (gnomAD no frequency). This variant has not been reported in the literature in individuals affected with VPS13B-related conditions. Algorithms developed to predict the effect of missense changes on protein structure and function are either unavailable or do not agree on the potential impact of this missense change (SIFT: "Not Available"; PolyPhen-2: "Benign"; Align-GVGD: "Not Available"). In summary, the available evidence is currently insufficient to determine the role of this variant in disease. Therefore, it has been classified as a Variant of Uncertain Significance.

NM_152564.5(VPS13B):c.1771G>C (p.Val591Leu)

Gene: VPS13B (vacuolar protein sorting 13 homolog B; plus strand). Cytogenetic location: 8q22.2.
Variant type: single nucleotide variant.
Coding change: c.1771G>C on transcript NM_152564.5 (MANE Select); coding-DNA position 1771, G replaced by C.
Protein change: p.Val591Leu; replaces valine 591 with leucine.
Molecular consequence: missense variant.
Genome position (GRCh38, 1-based): chr8:99,143,093, G>C. VCF-style: chr8-99143093-G-C. GRCh37 (hg19) VCF-style: chr8-100155321-G-C.
Other names: c.1771G>C, p.Val591Leu (NM_015243.3, NM_017890.5); short protein forms V591L.
Identifiers: ClinVar variation 2145066 (VCV002145066.3), dbSNP rs372593334, ClinGen allele CA371864039.
Genomic context (GRCh38, chr8:99,143,093, plus strand): 5'-GAGAAGTCCACCAAAAGCCTTGTTATAGGTCCTCTTGATTTTCGTTTGGATAGCAGTGCG[G>C]TGCATAGGATTTTGAAAATGATTGTGTGTGCCTTGGAACATGAATATGAACCATATAGCA-3'
Protein context (NP_689777.3, residues 581-601): PLDFRLDSSA[Val591Leu]HRILKMIVCA